The following is an entry in ClinVar:

NM_004006.3(DMD):c.9033_9040del (p.Tyr3012fs)

Gene: DMD (dystrophin; minus strand). Cytogenetic location: Xp21.2.
Variant type: Deletion.
Coding change: c.9033_9040del on transcript NM_004006.3 (MANE Select); coding-DNA positions 9033 to 9040, 8 bases deleted (GTATAACC; older notation c.9033_9040delGTATAACC).
Protein change: p.Tyr3012fs; shifts the reading frame from tyrosine 3012.
Molecular consequence: frameshift variant.
Genome position (GRCh38, 1-based): chrX:31,444,525-31,444,532, GGTTATAC deleted on the plus strand (GTATAACC on the coding strand, the reverse complement: DMD is on the minus strand); deleting any 8 consecutive bases within chrX:31,444,525-31,444,535 gives the same sequence; the c. name uses the placement nearest the transcript's 3' end. VCF-style (leftmost placement, unchanged base first): chrX-31444524-AGGTTATAC-A. GRCh37 (hg19) VCF-style: chrX-31462641-AGGTTATAC-A.
Other names: c.9009_9016del, p.Tyr3004fs (NM_000109.4); c.9021_9028del, p.Tyr3008fs (NM_004009.3); c.8664_8671del, p.Tyr2889fs (NM_004010.3); c.5010_5017del, p.Tyr1671fs (NM_004011.4); c.5001_5008del, p.Tyr1668fs (NM_004012.4); c.1653_1660del, p.Tyr552fs (NM_004013.3, NM_004020.4, NM_004021.3 and 2 more transcripts); c.846_853del, p.Tyr283fs (NM_004014.3); short protein forms Y1671fs, Y2889fs, Y283fs, Y552fs, Y1668fs, Y3004fs, Y3008fs, Y3012fs.
Identifiers: ClinVar variation 817691 (VCV000817691.1), dbSNP rs1602937725, ClinGen allele CA915950938.

ClinVar aggregate classification (germline): Pathogenic (1 of 4 stars; one submission).

Submission:

GeneDx
Classification: Pathogenic. Last evaluated: 2018-06-06. Review status: criteria provided, single submitter. Criteria: GeneDx Variant Classification (06012015). Collection method: clinical testing. Allele origin: germline. Affected: yes.
Comment: The c.9033_9040delGTATAACC variant causes a frameshift starting with codon Tyrosine 3012, changes this amino acid to a Glutamine residue, and creates a premature Stop codon at position 26 of the new reading frame, denoted p.Tyr3012GlnfsX26. This variant is predicted to cause loss of normal protein function either through protein truncation or nonsense-mediated mRNA decay. The c.9033_9040delGTATAACC variant is not observed in large population cohorts (Lek et al., 2016). Although this pathogenic variant has not been previously reported to our knowledge, other loss-of-function variants in the DMD gene have been reported in the Human Gene Mutation Database in association with dystrophinopathy (Stenson et al., 2014).